The following is an entry in ClinVar:

NM_002439.5(MSH3):c.1428T>G (p.Tyr476Ter)

Gene: MSH3 (mutS homolog 3; plus strand). Cytogenetic location: 5q14.1.
Variant type: single nucleotide variant.
Coding change: c.1428T>G on transcript NM_002439.5 (MANE Select); coding-DNA position 1428, T replaced by G.
Protein change: p.Tyr476Ter; replaces tyrosine 476 with a stop codon.
Molecular consequence: nonsense.
Genome position (GRCh38, 1-based): chr5:80,725,540, T>G. VCF-style: chr5-80725540-T-G. GRCh37 (hg19) VCF-style: chr5-80021359-T-G.
Other names: short protein forms Y476*.
Identifiers: ClinVar variation 2071940 (VCV002071940.5), dbSNP rs1398195482, ClinGen allele CA360273671.

ClinVar aggregate classification (germline): Pathogenic/Likely pathogenic. Review status: criteria provided, multiple submitters, no conflicts (2 of 4 stars). 2 submissions from 2 submitters: Pathogenic (1); Likely pathogenic (1). Last evaluated 2024-04-16.

Conditions:
Endometrial carcinoma. Also called: Endometrial carcinoma, somatic. Identifiers: MedGen C0476089, MONDO:0002447, OMIM 608089, HP:0012114.

Submissions (2):

Labcorp Genetics (formerly Invitae), Labcorp
Classification: Pathogenic. Last evaluated: 2024-04-16. Review status: criteria provided, single submitter. Criteria: Invitae Variant Classification Sherloc (09022015). Collection method: clinical testing. Allele origin: germline.
Comment: This sequence change creates a premature translational stop signal (p.Tyr476*) in the MSH3 gene. It is expected to result in an absent or disrupted protein product. Loss-of-function variants in MSH3 are known to be pathogenic (PMID: 27476653, 37402566). This variant is not present in population databases (gnomAD no frequency). This variant has not been reported in the literature in individuals affected with MSH3-related conditions. ClinVar contains an entry for this variant (Variation ID: 2071940). For these reasons, this variant has been classified as Pathogenic.

Baylor Genetics
Classification: Likely pathogenic for Endometrial carcinoma. Last evaluated: 2022-09-12. Review status: criteria provided, single submitter. Criteria: ACMG Guidelines, 2015. Collection method: clinical testing. Allele origin: unknown.

Literature cited by the submitters: PubMed 27476653 (cited by Labcorp Genetics (formerly Invitae), Labcorp); PubMed 37402566 (cited by Labcorp Genetics (formerly Invitae), Labcorp).